The following is an entry in ClinVar:

NM_014208.3(DSPP):c.3732T>C (p.Ser1244=)

Genes: DMP1-AS1 (DMP1 and DSPP antisense RNA 1; minus strand), DSPP (dentin sialophosphoprotein; plus strand). Cytogenetic location: 4q22.1.
Variant type: single nucleotide variant.
Coding change: c.3732T>C on transcript NM_014208.3 (MANE Select); coding-DNA position 3732, T replaced by C.
Protein change: p.Ser1244=; no amino-acid change (serine 1244 retained).
Molecular consequence: synonymous variant.
Genome position (GRCh38, 1-based): chr4:87,616,394, T>C. VCF-style: chr4-87616394-T-C. GRCh37 (hg19) VCF-style: chr4-88537546-T-C.
Identifiers: ClinVar variation 4083711 (VCV004083711.8).

ClinVar aggregate classification (germline): Likely benign (1 of 4 stars; one submission).

Submission:

CeGaT Center for Human Genetics Tuebingen
Classification: Likely benign. Last evaluated: 2025-06-01. Review status: criteria provided, single submitter. Criteria: CeGaT Center For Human Genetics Tuebingen Variant Classification Criteria Version 2. Collection method: clinical testing. Allele origin: germline. Affected: yes. Observed: 1 variant allele.
Comment: DSPP: PM2:Supporting, BP4, BP7